The following is an entry in ClinVar:

NM_000088.4(COL1A1):c.1430C>A (p.Pro477His)

Gene: COL1A1 (collagen type I alpha 1 chain; minus strand). Cytogenetic location: 17q21.33.
Variant type: single nucleotide variant.
Coding change: c.1430C>A on transcript NM_000088.4 (MANE Select); coding-DNA position 1430, C replaced by A.
Protein change: p.Pro477His; replaces proline 477 with histidine.
Molecular consequence: missense variant.
Genome position (GRCh38, 1-based): chr17:50,194,752, G>T on the plus strand (C>A on the coding strand, the complement: COL1A1 is on the minus strand). VCF-style: chr17-50194752-G-T. GRCh37 (hg19) VCF-style: chr17-48272113-G-T.
Other names: short protein forms P477H.
Identifiers: ClinVar variation 2738470 (VCV002738470.3), dbSNP rs1375038120, ClinGen allele CA400217705.
Genomic context (GRCh38, chr17:50,194,752, plus strand): 5'-AGCGGGAGGGGGCGGGCAGGGACACTTACACGCTCGCCAGGGGGTCCGGGCAGGCCAGTG[G>T]GTCCGGGTTCACCTCGAGCTCCTCGCTTTCCTTCCTCTCCAGCAGGGCCAGGGGGTCCTT-3'
Protein context (NP_000079.2, residues 467-487): GKRGARGEPG[Pro477His]TGLPGPPGER

ClinVar aggregate classification (germline): Uncertain significance (1 of 4 stars; one submission).

Conditions:
Osteogenesis imperfecta type I (OI1). Also called: Classic Non-deforming Osteogenesis Imperfecta with Blue Sclerae; Lobstein disease; OI, TYPE I; OSTEOGENESIS IMPERFECTA TARDA; OSTEOGENESIS IMPERFECTA WITH BLUE SCLERAE; Osteogenesis imperfecta type 1. Identifiers: Orphanet 216796, Orphanet 666, MedGen C0023931, MONDO:0008146, OMIM 166200. Disease mechanism: loss of function.

Submission:

Labcorp Genetics (formerly Invitae), Labcorp
Classification: Uncertain significance for Osteogenesis imperfecta type I. Last evaluated: 2023-11-08. Review status: criteria provided, single submitter. Criteria: Invitae Variant Classification Sherloc (09022015). Collection method: clinical testing. Allele origin: germline.
Comment: This sequence change replaces proline, which is neutral and non-polar, with histidine, which is basic and polar, at codon 477 of the COL1A1 protein (p.Pro477His). This variant is not present in population databases (gnomAD no frequency). This variant has not been reported in the literature in individuals affected with COL1A1-related conditions. Advanced modeling of protein sequence and biophysical properties (such as structural, functional, and spatial information, amino acid conservation, physicochemical variation, residue mobility, and thermodynamic stability) performed at Invitae indicates that this missense variant is expected to disrupt COL1A1 protein function with a positive predictive value of 95%. In summary, the available evidence is currently insufficient to determine the role of this variant in disease. Therefore, it has been classified as a Variant of Uncertain Significance.